The following is an entry in ClinVar:

ClinVar aggregate classification (germline): Likely pathogenic (1 of 4 stars; one submission).

Conditions:
Joubert syndrome. Also called: CEREBELLOPARENCHYMAL DISORDER IV; JOUBERT-BOLTSHAUSER SYNDROME; Familial aplasia of the vermis. Identifiers: Orphanet 475, MedGen C5979921, MONDO:0018772.

Submission:

Labcorp Genetics (formerly Invitae), Labcorp
Classification: Likely pathogenic for Joubert syndrome. Last evaluated: 2023-12-18. Review status: criteria provided, single submitter. Criteria: Invitae Variant Classification Sherloc (09022015). Collection method: clinical testing. Allele origin: germline.
Comment: This sequence change affects an acceptor splice site in intron 5 of the INPP5E gene. It is expected to disrupt RNA splicing. Variants that disrupt the donor or acceptor splice site typically lead to a loss of protein function (PMID: 16199547), and loss-of-function variants in INPP5E are known to be pathogenic (PMID: 19668216, 23034536, 23386033, 28125082). This variant is not present in population databases (gnomAD no frequency). This variant has not been reported in the literature in individuals affected with INPP5E-related conditions. Algorithms developed to predict the effect of sequence changes on RNA splicing suggest that this variant may disrupt the consensus splice site. In summary, the currently available evidence indicates that the variant is pathogenic, but additional data are needed to prove that conclusively. Therefore, this variant has been classified as Likely Pathogenic.

Literature cited by the submitters: PubMed 16199547; PubMed 19668216; PubMed 23034536; PubMed 23386033; PubMed 28125082.

NM_019892.6(INPP5E):c.1280-2A>C

Gene: INPP5E (inositol polyphosphate-5-phosphatase E; minus strand). Cytogenetic location: 9q34.3.
Variant type: single nucleotide variant.
Coding change: c.1280-2A>C on transcript NM_019892.6 (MANE Select); the canonical splice acceptor site of the intron before coding-DNA position 1280, A replaced by C.
Molecular consequence: splice acceptor variant. On other transcripts: intron variant (1).
Genome position (GRCh38, 1-based): chr9:136,432,588, T>G on the plus strand (A>C on the coding strand, the complement: INPP5E is on the minus strand). VCF-style: chr9-136432588-T-G. GRCh37 (hg19) VCF-style: chr9-139327040-T-G.
Other names: c.1280-5A>C (NM_001318502.2).
Identifiers: ClinVar variation 2703980 (VCV002703980.3), dbSNP rs2538876210, ClinGen allele CA375563709.